The following is an entry in ClinVar:

NM_001194998.2(CEP152):c.5077C>T (p.Pro1693Ser)

Gene: CEP152 (centrosomal protein 152; minus strand). Cytogenetic location: 15q21.1.
Variant type: single nucleotide variant.
Coding change: c.5077C>T on transcript NM_001194998.2 (MANE Select); coding-DNA position 5077, C replaced by T.
Protein change: p.Pro1693Ser; replaces proline 1693 with serine.
Molecular consequence: missense variant.
Genome position (GRCh38, 1-based): chr15:48,738,305, G>A on the plus strand (C>T on the coding strand, the complement: CEP152 is on the minus strand). VCF-style: chr15-48738305-G-A. GRCh37 (hg19) VCF-style: chr15-49030502-G-A.
Other names: c.4909C>T, p.Pro1637Ser (NM_014985.4); short protein forms P1693S, P1637S.
Identifiers: ClinVar variation 2057941 (VCV002057941.1), dbSNP rs1017699963, ClinGen allele CA269522197.
Genomic context (GRCh38, chr15:48,738,305, plus strand): 5'-ATAATTAGTCTAGATTAACAAATGGGCTATCAAAGCCACTATCTTGTTGGCTAGATAGCG[G>A]AACAATTAATTTTCTTGAAGGCTGCTGACACACTGAAGATGGTAATGTACTGCTCAGTTT-3'
Protein context (NP_001181927.1, residues 1683-1703): CQQPSRKLIV[Pro1693Ser]LSSQQDSGFD

ClinVar aggregate classification (germline): Uncertain significance (1 of 4 stars; one submission).

Allele frequency attached by ClinVar (database versions not stated): gnomAD exomes below 0.00001; gnomAD 0.00002.
gnomAD v4.1: 6 of 1,613,858 alleles (0.00037%); highest among the groups gnomAD compares: African/African-American, 0.004%; no homozygotes.

Submission:

Labcorp Genetics (formerly Invitae), Labcorp
Classification: Uncertain significance. Last evaluated: 2022-08-19. Review status: criteria provided, single submitter. Criteria: Invitae Variant Classification Sherloc (09022015). Collection method: clinical testing. Allele origin: germline.
Comment: This sequence change replaces proline, which is neutral and non-polar, with serine, which is neutral and polar, at codon 1637 of the CEP152 protein (p.Pro1637Ser). This variant is present in population databases (no rsID available, gnomAD 0.008%). This variant has not been reported in the literature in individuals affected with CEP152-related conditions. Algorithms developed to predict the effect of missense changes on protein structure and function (SIFT, PolyPhen-2, Align-GVGD) all suggest that this variant is likely to be tolerated. In summary, the available evidence is currently insufficient to determine the role of this variant in disease. Therefore, it has been classified as a Variant of Uncertain Significance.